The following is an entry in ClinVar:

NM_000353.3(TAT):c.1188_1191del (p.Val397fs)

Genes: TAT (tyrosine aminotransferase; minus strand), TAT-AS1 (TAT antisense RNA 1; plus strand). Cytogenetic location: 16q22.2.
Variant type: Deletion.
Coding change: c.1188_1191del on transcript NM_000353.3 (MANE Select); coding-DNA positions 1188 to 1191, 4 bases deleted (AGTT; older notation c.1188_1191delAGTT).
Protein change: p.Val397fs; shifts the reading frame from valine 397.
Molecular consequence: frameshift variant.
Genome position (GRCh38, 1-based): chr16:71,568,744-71,568,747, AACT deleted on the plus strand (AGTT on the coding strand, the reverse complement: TAT is on the minus strand); deleting any 4 consecutive bases within chr16:71,568,744-71,568,750 gives the same sequence; the c. name uses the placement nearest the transcript's 3' end. VCF-style (leftmost placement, unchanged base first): chr16-71568743-CAACT-C. GRCh37 (hg19) VCF-style: chr16-71602646-CAACT-C.
Other names: short protein forms V397fs.
Identifiers: ClinVar variation 2711453 (VCV002711453.4), dbSNP rs2507659879, ClinGen allele CA2576053275.

ClinVar aggregate classification (germline): Pathogenic. Review status: criteria provided, multiple submitters, no conflicts (2 of 4 stars). 2 submissions from 2 submitters: Pathogenic (2). Last evaluated 2026-03-30.

Conditions:
Tyrosinemia type II (TYRSN2). Also called: OREGON TYPE TYROSINEMIA; TAT DEFICIENCY; TYROSINE AMINOTRANSFERASE DEFICIENCY; TYROSINE TRANSAMINASE DEFICIENCY; KERATOSIS PALMOPLANTARIS WITH CORNEAL DYSTROPHY. Identifiers: Orphanet 28378, MedGen C0268487, MONDO:0010160, OMIM 276600.

Submissions (2):

Myriad Genetics, Inc.
Classification: Pathogenic for Tyrosinemia type II. Last evaluated: 2026-03-30. Review status: criteria provided, single submitter. Criteria: Myriad Autosomal Dominant, Autosomal Recessive and X-Linked Classification Criteria (2023). Collection method: clinical testing. Allele origin: unknown.
Comment: NM_000353.2(TAT):c.1188_1191delAGTT(V397Lfs*28) is a frameshift variant classified as pathogenic in the context of tyrosinemia type II. V397Lfs*28 has not been observed in cases with relevant disease. Relevant functional assessments of this variant are not available in the literature. V397Lfs*28 has not been observed in referenced population frequency databases. In summary, NM_000353.2(TAT):c.1188_1191delAGTT(V397Lfs*28) is a frameshift variant in a gene where loss of function is a known mechanism of disease and is predicted to disrupt protein function. Please note: this variant was assessed in the context of healthy population screening.

Labcorp Genetics (formerly Invitae), Labcorp
Classification: Pathogenic for Tyrosinemia type II. Last evaluated: 2023-06-11. Review status: criteria provided, single submitter. Criteria: Invitae Variant Classification Sherloc (09022015). Collection method: clinical testing. Allele origin: germline.
Comment: This variant disrupts a region of the TAT protein in which other variant(s) (p.Arg433Gln) have been determined to be pathogenic (PMID: 9544843). This suggests that this is a clinically significant region of the protein, and that variants that disrupt it are likely to be disease-causing. Algorithms developed to predict the effect of sequence changes on RNA splicing suggest that this variant may disrupt the consensus splice site. This variant has not been reported in the literature in individuals affected with TAT-related conditions. This variant is not present in population databases (gnomAD no frequency). This sequence change creates a premature translational stop signal (p.Val397Leufs*28) in the TAT gene. While this is not anticipated to result in nonsense mediated decay, it is expected to disrupt the last 58 amino acid(s) of the TAT protein. For these reasons, this variant has been classified as Pathogenic.

Literature cited by the submitters: PubMed 9544843 (cited by Labcorp Genetics (formerly Invitae), Labcorp).